The following is an entry in ClinVar:

ClinVar aggregate classification (germline): Pathogenic (1 of 4 stars; one submission).

Submission:

Labcorp Genetics (formerly Invitae), Labcorp
Classification: Pathogenic. Last evaluated: 2024-06-03. Review status: criteria provided, single submitter. Criteria: Invitae Variant Classification Sherloc (09022015). Collection method: clinical testing. Allele origin: germline.
Comment: This sequence change replaces isoleucine, which is neutral and non-polar, with phenylalanine, which is neutral and non-polar, at codon 30 of the GJB2 protein (p.Ile30Phe). This variant is not present in population databases (gnomAD no frequency). This missense change has been observed in individual(s) with autosomal recessive deafness (PMID: 19366456; Invitae). In at least one individual the data is consistent with being in trans (on the opposite chromosome) from a pathogenic variant. ClinVar contains an entry for this variant (Variation ID: 2007015). Advanced modeling of protein sequence and biophysical properties (such as structural, functional, and spatial information, amino acid conservation, physicochemical variation, residue mobility, and thermodynamic stability) performed at Invitae indicates that this missense variant is expected to disrupt GJB2 protein function with a positive predictive value of 95%. This variant disrupts the p.Ile30 amino acid residue in GJB2. Other variant(s) that disrupt this residue have been determined to be pathogenic (Invitae). This suggests that this residue is clinically significant, and that variants that disrupt this residue are likely to be disease-causing. For these reasons, this variant has been classified as Pathogenic.

Literature cited by the submitters: PubMed 19366456.

NM_004004.6(GJB2):c.88A>T (p.Ile30Phe)

Gene: GJB2 (gap junction protein beta 2; minus strand). Cytogenetic location: 13q12.11.
Variant type: single nucleotide variant.
Coding change: c.88A>T on transcript NM_004004.6 (MANE Select); coding-DNA position 88, A replaced by T.
Protein change: p.Ile30Phe; replaces isoleucine 30 with phenylalanine.
Molecular consequence: missense variant.
Genome position (GRCh38, 1-based): chr13:20,189,494, T>A on the plus strand (A>T on the coding strand, the complement: GJB2 is on the minus strand). VCF-style: chr13-20189494-T-A. GRCh37 (hg19) VCF-style: chr13-20763633-T-A.
Other names: short protein forms I30F.
Identifiers: ClinVar variation 2007015 (VCV002007015.4), dbSNP rs374625633, ClinGen allele CA387462020.